The following is an entry in ClinVar:

ClinVar aggregate classification (germline): Uncertain significance (1 of 4 stars; one submission).

Conditions:
Candidiasis, familial, 9 (CANDF9). Identifiers: Orphanet 1334, MedGen C4225324, MONDO:0014642, OMIM 616445.

gnomAD v4.1: 1 of 1,614,170 alleles (0.000062%); highest among the groups gnomAD compares: South Asian, 0.0011%; no homozygotes.

Submission:

Labcorp Genetics (formerly Invitae), Labcorp
Classification: Uncertain significance for Candidiasis, familial, 9. Last evaluated: 2019-11-06. Review status: criteria provided, single submitter. Criteria: Invitae Variant Classification Sherloc (09022015). Collection method: clinical testing. Allele origin: germline.
Comment: This sequence change replaces valine with phenylalanine at codon 18 of the IL17RC protein (p.Val18Phe). The valine residue is highly conserved and there is a small physicochemical difference between valine and phenylalanine. In summary, the available evidence is currently insufficient to determine the role of this variant in disease. Therefore, it has been classified as a Variant of Uncertain Significance. Algorithms developed to predict the effect of missense changes on protein structure and function do not agree on the potential impact of this missense change (SIFT: "Deleterious"; PolyPhen-2: "Benign"; Align-GVGD: "Class C0"). This variant has not been reported in the literature in individuals with IL17RC-related disease. This variant is not present in population databases (ExAC no frequency).

NM_153460.4(IL17RC):c.52G>T (p.Val18Phe)

Gene: IL17RC (interleukin 17 receptor C; plus strand). Cytogenetic location: 3p25.3.
Variant type: single nucleotide variant.
Coding change: c.52G>T on transcript NM_153460.4 (MANE Select); coding-DNA position 52, G replaced by T.
Protein change: p.Val18Phe; replaces valine 18 with phenylalanine.
Molecular consequence: missense variant. On other transcripts: non-coding transcript variant (1).
Genome position (GRCh38, 1-based): chr3:9,917,367, G>T. VCF-style: chr3-9917367-G-T. GRCh37 (hg19) VCF-style: chr3-9959051-G-T.
Other names: c.52G>T, p.Val18Phe (NM_001203263.2, NM_001203264.2, NM_001203265.2 and 5 more transcripts); short protein forms V18F.
Identifiers: ClinVar variation 954906 (VCV000954906.6), dbSNP rs2083164011, ClinGen allele CA351752960.
Genomic context (GRCh38, chr3:9,917,367, plus strand): 5'-ACCTAGAAGATGCCTGTGCCCTGGTTCTTGCTGTCCTTGGCACTGGGCCGAAGCCCAGTG[G>T]TCCTTTCTCTGGAGAGGCTTGTGGGGCCTCAGGACGCTACCCACTGCTCTCCGGTGAGTC-3'
Protein context (NP_703190.2, residues 8-28): LSLALGRSPV[Val18Phe]LSLERLVGPQ